The following is an entry in ClinVar:

ClinVar aggregate classification (germline): Benign (1 of 4 stars; one submission).

Submission:

Mayo Clinic Laboratories, Mayo Clinic
Classification: Benign. Last evaluated: 2022-03-17. Review status: criteria provided, single submitter. Criteria: ACMG Guidelines, 2015. Collection method: clinical testing. Allele origin: germline. Observed: 2 variant alleles.
Comment: BA1, BP4, BP7

NM_002858.4(ABCD3):c.1387-4dup

Gene: ABCD3 (ATP binding cassette subfamily D member 3; plus strand). Cytogenetic location: 1p21.3.
Variant type: Duplication.
Coding change: c.1387-4dup on transcript NM_002858.4 (MANE Select); 4 bases into the intron before coding-DNA position 1387, one base duplicated (T; older notation c.1387-4dupT).
Molecular consequence: intron variant.
Genome position (GRCh38, 1-based): chr1:94,498,598, T duplicated; the last of 15 consecutive T bases (chr1:94,498,584-94,498,598); duplicating any one gives the same sequence. VCF-style (leftmost placement, unchanged base first): chr1-94498583-A-AT. GRCh37 (hg19) VCF-style: chr1-94964139-A-AT.
Identifiers: ClinVar variation 4683306 (VCV004683306.1).